The following is an entry in ClinVar:

NM_018139.3(DNAAF2):c.250G>C (p.Gly84Arg)

Gene: DNAAF2 (dynein axonemal assembly factor 2; minus strand). Cytogenetic location: 14q21.3.
Variant type: single nucleotide variant.
Coding change: c.250G>C on transcript NM_018139.3 (MANE Select); coding-DNA position 250, G replaced by C.
Protein change: p.Gly84Arg; replaces glycine 84 with arginine.
Molecular consequence: missense variant.
Genome position (GRCh38, 1-based): chr14:49,634,900, C>G on the plus strand (G>C on the coding strand, the complement: DNAAF2 is on the minus strand). VCF-style: chr14-49634900-C-G. GRCh37 (hg19) VCF-style: chr14-50101618-C-G.
Other names: c.250G>C, p.Gly84Arg (NM_001083908.2); short protein forms G84R.
Identifiers: ClinVar variation 2062162 (VCV002062162.1), dbSNP rs566365192, ClinGen allele CA7173138.
Genomic context (GRCh38, chr14:49,634,900, plus strand): 5'-GGCTGCTGGGCGCGCCCACCAACGCGTTGCTGCAGACATTCACAAAGCAGCGCCGCGCCC[C>G]GTCCAGGCTGGTGCGCAGCACATGGCCGGGCTCCGGGTGCACGAACCGCACTTCCACCCC-3'
Protein context (NP_060609.2, residues 74-94): PGHVLRTSLD[Gly84Arg]ARRCFVNVCS

ClinVar aggregate classification (germline): Uncertain significance (1 of 4 stars; one submission).

Conditions:
Primary ciliary dyskinesia. Also called: Ciliary dyskinesia. Identifiers: Orphanet 244, MedGen C0008780, MONDO:0016575, HP:0012265.

Allele frequency attached by ClinVar (database versions not stated): ExAC 0.00023; 1000 Genomes Project 30x 0.00031; 1000 Genomes Project 0.00040.
gnomAD v4.1: 28 of 1,550,590 alleles (0.0018%); highest among the groups gnomAD compares: South Asian, 0.018%; 1 homozygote.

Submission:

Labcorp Genetics (formerly Invitae), Labcorp
Classification: Uncertain significance for Primary ciliary dyskinesia. Last evaluated: 2022-04-19. Review status: criteria provided, single submitter. Criteria: Invitae Variant Classification Sherloc (09022015). Collection method: clinical testing. Allele origin: germline.
Comment: This sequence change replaces glycine, which is neutral and non-polar, with arginine, which is basic and polar, at codon 84 of the DNAAF2 protein (p.Gly84Arg). This variant is present in population databases (rs566365192, gnomAD 0.03%), including at least one homozygous and/or hemizygous individual. This variant has not been reported in the literature in individuals affected with DNAAF2-related conditions. Algorithms developed to predict the effect of missense changes on protein structure and function are either unavailable or do not agree on the potential impact of this missense change (SIFT: "Deleterious"; PolyPhen-2: "Probably Damaging"; Align-GVGD: "Class C0"). In summary, the available evidence is currently insufficient to determine the role of this variant in disease. Therefore, it has been classified as a Variant of Uncertain Significance.